The following is an entry in ClinVar:

ClinVar aggregate classification (germline): Uncertain significance (1 of 4 stars; one submission).

Submission:

Labcorp Genetics (formerly Invitae), Labcorp
Classification: Uncertain significance. Last evaluated: 2024-05-29. Review status: criteria provided, single submitter. Criteria: Invitae Variant Classification Sherloc (09022015). Collection method: clinical testing. Allele origin: germline.
Comment: This sequence change creates a premature translational stop signal (p.Lys68Serfs*205) in the IRF9 gene. It is expected to result in an absent or disrupted protein product. However, the current clinical and genetic evidence is not sufficient to establish whether loss-of-function variants in IRF9 cause disease. This variant is not present in population databases (gnomAD no frequency). This variant has not been reported in the literature in individuals affected with IRF9-related conditions. In summary, the available evidence is currently insufficient to determine the role of this variant in disease. Therefore, it has been classified as a Variant of Uncertain Significance.

NM_006084.5(IRF9):c.203del (p.Lys68fs)

Gene: IRF9 (interferon regulatory factor 9; plus strand). Cytogenetic location: 14q12.
Variant type: Deletion.
Coding change: c.203del on transcript NM_006084.5 (MANE Select); coding-DNA position 203, one base deleted (A; older notation c.203delA).
Protein change: p.Lys68fs; shifts the reading frame from lysine 68.
Molecular consequence: frameshift variant.
Genome position (GRCh38, 1-based): chr14:24,162,988, A deleted; the last of 3 consecutive A bases (chr14:24,162,986-24,162,988); deleting any one gives the same sequence. VCF-style (leftmost placement, unchanged base first): chr14-24162985-GA-G. GRCh37 (hg19) VCF-style: chr14-24632194-GA-G.
Other names: c.203del, p.Lys68fs (NM_001385400.1, NM_001385401.1, NM_001385402.1); short protein forms K68fs.
Identifiers: ClinVar variation 2755624 (VCV002755624.3), dbSNP rs2502039043, ClinGen allele CA2575492099.